The following is an entry in ClinVar:

ClinVar aggregate classification (germline): Likely pathogenic. Review status: criteria provided, multiple submitters, no conflicts (2 of 4 stars). 2 submissions from 2 submitters: Likely pathogenic (2). Last evaluated 2023-08-13.

Conditions:
Xeroderma pigmentosum (XP). Identifiers: Orphanet 910, MedGen C0043346, MONDO:0019600.
Xeroderma pigmentosum, group C (XPC). Also called: XPC-Related Xeroderma Pigmentosum; XERODERMA PIGMENTOSUM III; XP, GROUP C; Xeroderma pigmentosum, complementation group C. Identifiers: Orphanet 910, MedGen C2752147, MONDO:0010211, OMIM 278720.

Allele frequency attached by ClinVar (database versions not stated): gnomAD exomes below 0.00001; ExAC 0.00001.
gnomAD v4.1: 1 of 1,613,962 alleles (0.000062%); highest among the groups gnomAD compares: South Asian, 0.0011%; no homozygotes.

Submissions (2):

Baylor Genetics
Classification: Likely pathogenic for Xeroderma pigmentosum, group C. Last evaluated: 2023-08-13. Review status: criteria provided, single submitter. Criteria: ACMG Guidelines, 2015. Collection method: clinical testing. Allele origin: unknown.

Women's Health and Genetics/Laboratory Corporation of America, LabCorp
Classification: Likely pathogenic for Xeroderma pigmentosum. Last evaluated: 2023-08-11. Review status: criteria provided, single submitter. Criteria: LabCorp Variant Classification Summary - May 2015. Collection method: clinical testing. Allele origin: germline.
Comment: Variant summary: XPC c.1754A>G (p.Tyr585Cys) results in a non-conservative amino acid change located in the Rad4/PNGase transglutaminase-like fold (IPR018325) of the encoded protein sequence. Five of five in-silico tools predict a damaging effect of the variant on protein function. The variant allele was found at a frequency of 4e-06 in 249312 control chromosomes. c.1754A>G has been reported in the literature in two homozygous brothers with late onset malignant melanomas (Fassihi_2016) and in a childhood onset anaplastic astrocytoma patient (Muskens_2020). These data indicate that the variant is likely to be associated with disease. At least one publication reports experimental evidence indicating Unscheduled DNA Synthesis levels in skin fibroblasts of homozygous patient at 40% of normal levels (Fassihi_2016). The following publications have been ascertained in the context of this evaluation (PMID: 26884178, 31970404). No submitters have cited clinical-significance assessments for this variant to ClinVar after 2014. Based on the evidence outlined above, the variant was classified as likely pathogenic.

Literature cited by the submitters: PubMed 26884178 (cited by Women's Health and Genetics/Laboratory Corporation of America, LabCorp); PubMed 31970404 (cited by Women's Health and Genetics/Laboratory Corporation of America, LabCorp).

NM_004628.5(XPC):c.1754A>G (p.Tyr585Cys)

Gene: XPC (XPC complex subunit, DNA damage recognition and repair factor; minus strand). Cytogenetic location: 3p25.1.
Variant type: single nucleotide variant.
Coding change: c.1754A>G on transcript NM_004628.5 (MANE Select); coding-DNA position 1754, A replaced by G.
Protein change: p.Tyr585Cys; replaces tyrosine 585 with cysteine.
Molecular consequence: missense variant. On other transcripts: non-coding transcript variant (2), intron variant (1).
Genome position (GRCh38, 1-based): chr3:14,158,129, T>C on the plus strand (A>G on the coding strand, the complement: XPC is on the minus strand). VCF-style: chr3-14158129-T-C. GRCh37 (hg19) VCF-style: chr3-14199629-T-C.
Other names: c.1175A>G, p.Tyr392Cys (NM_001354726.2); c.1754A>G, p.Tyr585Cys (NM_001354727.2); c.1736A>G, p.Tyr579Cys (NM_001354729.2); c.1626+128A>G (NM_001354730.2); short protein forms Y392C, Y579C, Y585C.
Identifiers: ClinVar variation 2581665 (VCV002581665.2), dbSNP rs749681216, ClinGen allele CA2267372.